The following is an entry in ClinVar:

ClinVar aggregate classification (germline): Benign (1 of 4 stars; one submission).

Conditions:
MELAS syndrome (MELAS). Also called: Juvenile myopathy, encephalopathy, lactic acidosis, stroke. Identifiers: Orphanet 550, MedGen C0162671, MONDO:0010789, OMIM 540000.

Submission:

Wong Mito Lab, Molecular and Human Genetics, Baylor College of Medicine
Classification: Benign for MELAS syndrome. Last evaluated: 2019-07-12. Review status: criteria provided, single submitter. Criteria: Modified ACMG Guidelines (Unpublished). Collection method: clinical testing. Allele origin: germline.
Comment: The NC_012920.1:m.14696A>G variant in MT-TE gene is interpreted to be a Benign variant based on the modified ACMG guidelines (unpublished). This variant meets the following evidence codes reported in the guidelines: BS1, BS2, BP4

Literature cited by the submitters: PubMed 31965079; PubMed 11349229.

NC_012920.1(MT-TE):m.14696A>G

Gene: MT-TE (mitochondrially encoded tRNA glutamic acid; minus strand).
Variant type: single nucleotide variant.
Genome position: chrM-14696-A-G.
Identifiers: ClinVar variation 690205 (VCV000690205.1), dbSNP rs1556424481, ClinGen allele CA913171839.